The following is an entry in ClinVar:

NM_021116.4(ADCY1):c.2037A>G (p.Ile679Met)

Gene: ADCY1 (adenylate cyclase 1; plus strand). Cytogenetic location: 7p12.3.
Variant type: single nucleotide variant.
Coding change: c.2037A>G on transcript NM_021116.4 (MANE Select); coding-DNA position 2037, A replaced by G.
Protein change: p.Ile679Met; replaces isoleucine 679 with methionine.
Molecular consequence: missense variant.
Genome position (GRCh38, 1-based): chr7:45,685,032, A>G. VCF-style: chr7-45685032-A-G. GRCh37 (hg19) VCF-style: chr7-45724631-A-G.
Other names: short protein forms I679M.
Identifiers: ClinVar variation 2187410 (VCV002187410.4), dbSNP rs138991516, ClinGen allele CA4249128.
Genomic context (GRCh38, chr7:45,685,032, plus strand): 5'-TATTCAGTGTTTTCCAGGGTGCCTGACGATTCAGATTCGCACTGTCCTGTGTATTTTCAT[A>G]GTGGTCTTAATCTACTCAGTAGCCCAAGGTTGTGTGGTGAGCATCTCCAGCTTGTGGCAT-3'
Protein context (NP_066939.1, residues 669-689): IQIRTVLCIF[Ile679Met]VVLIYSVAQG

ClinVar aggregate classification (germline): Uncertain significance (1 of 4 stars; one submission).

Allele frequency attached by ClinVar (database versions not stated): gnomAD 0.00001; TOPMed 0.00002; gnomAD exomes 0.00003; ExAC 0.00009; 1000 Genomes Project 30x 0.00031; 1000 Genomes Project 0.00040.
gnomAD v4.1: 39 of 1,614,188 alleles (0.0024%); highest among the groups gnomAD compares: Admixed American, 0.0033%; no homozygotes.

Submission:

Labcorp Genetics (formerly Invitae), Labcorp
Classification: Uncertain significance. Last evaluated: 2023-11-13. Review status: criteria provided, single submitter. Criteria: Invitae Variant Classification Sherloc (09022015). Collection method: clinical testing. Allele origin: germline.
Comment: This sequence change replaces isoleucine, which is neutral and non-polar, with methionine, which is neutral and non-polar, at codon 679 of the ADCY1 protein (p.Ile679Met). This variant is present in population databases (rs138991516, gnomAD 0.01%). This variant has not been reported in the literature in individuals affected with ADCY1-related conditions. ClinVar contains an entry for this variant (Variation ID: 2187410). Advanced modeling of protein sequence and biophysical properties (such as structural, functional, and spatial information, amino acid conservation, physicochemical variation, residue mobility, and thermodynamic stability) performed at Invitae indicates that this missense variant is not expected to disrupt ADCY1 protein function with a negative predictive value of 80%. In summary, the available evidence is currently insufficient to determine the role of this variant in disease. Therefore, it has been classified as a Variant of Uncertain Significance.